The following is an entry in ClinVar:

ClinVar aggregate classification (germline): Uncertain significance. Review status: criteria provided, multiple submitters, no conflicts (2 of 4 stars). 2 submissions from 2 submitters: Uncertain significance (2). Last evaluated 2026-01-22.

Conditions:
Symmetrical dyschromatosis of extremities (DSH). Also called: DYSCHROMATOSIS SYMMETRICA HEREDITARIA 1; RETICULATE ACROPIGMENTATION OF DOHI; SYMMETRIC DYSCHROMATOSIS OF THE EXTREMITIES; Dyschromatosis symmetrica hereditaria. Identifiers: Orphanet 41, MedGen C0406775, MONDO:0007483, OMIM 127400.
Aicardi-Goutieres syndrome 6 (AGS6). Identifiers: Orphanet 51, MedGen C3539013, MONDO:0014007, OMIM 615010.

gnomAD v4.1: 3 of 1,614,084 alleles (0.00019%); highest among the groups gnomAD compares: African/African-American, 0.0027%; no homozygotes.

Submissions (2):

Women's Health and Genetics/Laboratory Corporation of America, LabCorp
Classification: Uncertain significance. Last evaluated: 2026-01-22. Review status: criteria provided, single submitter. Criteria: LabCorp Variant Classification Summary - May 2015. Collection method: clinical testing. Allele origin: germline.

Labcorp Genetics (formerly Invitae), Labcorp
Classification: Uncertain significance for Aicardi-Goutieres syndrome 6; Symmetrical dyschromatosis of extremities. Last evaluated: 2024-05-17. Review status: criteria provided, single submitter. Criteria: Invitae Variant Classification Sherloc (09022015). Collection method: clinical testing. Allele origin: germline.
Comment: This sequence change replaces isoleucine, which is neutral and non-polar, with valine, which is neutral and non-polar, at codon 873 of the ADAR protein (p.Ile873Val). This variant is not present in population databases (gnomAD no frequency). This variant has not been reported in the literature in individuals affected with ADAR-related conditions. Advanced modeling of protein sequence and biophysical properties (such as structural, functional, and spatial information, amino acid conservation, physicochemical variation, residue mobility, and thermodynamic stability) performed at Invitae indicates that this missense variant is not expected to disrupt ADAR protein function with a negative predictive value of 80%. In summary, the available evidence is currently insufficient to determine the role of this variant in disease. Therefore, it has been classified as a Variant of Uncertain Significance.

NM_001111.5(ADAR):c.2617A>G (p.Ile873Val)

Genes: ADAR (adenosine deaminase RNA specific; minus strand), LOC126805874 (CDK7 strongly-dependent group 2 enhancer GRCh37_chr1:154561176-154562375; plus strand). Cytogenetic location: 1q21.3.
Variant type: single nucleotide variant.
Coding change: c.2617A>G on transcript NM_001111.5 (MANE Select); coding-DNA position 2617, A replaced by G.
Protein change: p.Ile873Val; replaces isoleucine 873 with valine.
Molecular consequence: missense variant.
Genome position (GRCh38, 1-based): chr1:154,589,808, T>C on the plus strand (A>G on the coding strand, the complement: ADAR is on the minus strand). VCF-style: chr1-154589808-T-C. GRCh37 (hg19) VCF-style: chr1-154562284-T-C.
Other names: c.1732A>G, p.Ile578Val (NM_001025107.3, NM_001193495.2, NM_001365046.1 and 2 more transcripts); c.2644A>G, p.Ile882Val (NM_001365045.1); c.1654A>G, p.Ile552Val (NM_001365049.1); c.2539A>G, p.Ile847Val (NM_015840.4); c.2482A>G, p.Ile828Val (NM_015841.4); short protein forms I552V, I578V, I828V, I847V, I873V, I882V.
Identifiers: ClinVar variation 3763394 (VCV003763394.3).